The following is an entry in ClinVar:

ClinVar aggregate classification (germline): Uncertain significance (1 of 4 stars; one submission).

gnomAD v4.1: 2 of 1,546,260 alleles (0.00013%); highest among the groups gnomAD compares: Non-Finnish European, 0.000087%; no homozygotes.

Submission:

Labcorp Genetics (formerly Invitae), Labcorp
Classification: Uncertain significance. Last evaluated: 2024-04-03. Review status: criteria provided, single submitter. Criteria: Invitae Variant Classification Sherloc (09022015). Collection method: clinical testing. Allele origin: germline.
Comment: This sequence change replaces arginine, which is basic and polar, with glutamine, which is neutral and polar, at codon 1346 of the DCHS1 protein (p.Arg1346Gln). This variant is not present in population databases (gnomAD no frequency). This variant has not been reported in the literature in individuals affected with DCHS1-related conditions. Advanced modeling of protein sequence and biophysical properties (such as structural, functional, and spatial information, amino acid conservation, physicochemical variation, residue mobility, and thermodynamic stability) performed at Invitae indicates that this missense variant is not expected to disrupt DCHS1 protein function with a negative predictive value of 80%. In summary, the available evidence is currently insufficient to determine the role of this variant in disease. Therefore, it has been classified as a Variant of Uncertain Significance.

NM_003737.4(DCHS1):c.4037G>A (p.Arg1346Gln)

Gene: DCHS1 (dachsous cadherin-related 1; minus strand). Cytogenetic location: 11p15.4.
Variant type: single nucleotide variant.
Coding change: c.4037G>A on transcript NM_003737.4 (MANE Select); coding-DNA position 4037, G replaced by A.
Protein change: p.Arg1346Gln; replaces arginine 1346 with glutamine.
Molecular consequence: missense variant.
Genome position (GRCh38, 1-based): chr11:6,630,757, C>T on the plus strand (G>A on the coding strand, the complement: DCHS1 is on the minus strand). VCF-style: chr11-6630757-C-T. GRCh37 (hg19) VCF-style: chr11-6651988-C-T.
Other names: short protein forms R1346Q.
Identifiers: ClinVar variation 3648673 (VCV003648673.2).